The following is an entry in ClinVar:

NM_018060.4(IARS2):c.1947-20del

Gene: IARS2 (isoleucyl-tRNA synthetase 2, mitochondrial; plus strand). Cytogenetic location: 1q41.
Variant type: Deletion.
Coding change: c.1947-20del on transcript NM_018060.4 (MANE Select); 20 bases into the intron before coding-DNA position 1947, one base deleted (T; older notation c.1947-20delT).
Molecular consequence: intron variant.
Genome position (GRCh38, 1-based): chr1:220,136,789, T deleted. VCF-style (leftmost placement, unchanged base first): chr1-220136788-AT-A. GRCh37 (hg19) VCF-style: chr1-220310130-AT-A.
Identifiers: ClinVar variation 510484 (VCV000510484.1), dbSNP rs774380565, ClinGen allele CA1401643.

ClinVar aggregate classification (germline): Likely benign (1 of 4 stars; one submission).

Allele frequency attached by ClinVar (database versions not stated): gnomAD exomes below 0.00001 and 0.00001; ExAC 0.00001; TOPMed 0.00001.

Submission:

GeneDx
Classification: Likely benign. Last evaluated: 2017-07-05. Review status: criteria provided, single submitter. Criteria: GeneDx Variant Classification (06012015). Collection method: clinical testing. Allele origin: germline. Affected: yes.
Comment: This variant is considered likely benign or benign based on one or more of the following criteria: it is a conservative change, it occurs at a poorly conserved position in the protein, it is predicted to be benign by multiple in silico algorithms, and/or has population frequency not consistent with disease.